The following is an entry in ClinVar:

ClinVar aggregate classification (germline): Pathogenic (1 of 4 stars; one submission).

Conditions:
Arrhythmogenic cardiomyopathy with wooly hair and keratoderma. Also called: Carvajal syndrome; PALMOPLANTAR KERATODERMA WITH LEFT VENTRICULAR CARDIOMYOPATHY AND WOOLLY HAIR; Dilated cardiomyopathy with woolly hair and keratoderma; Arrhythmogenic cardiomyopathy with woolly hair and keratoderma. Identifiers: Orphanet 65282, MedGen C1854063, MONDO:0011581, OMIM 605676.
Arrhythmogenic right ventricular dysplasia 8 (ARVD8). Also called: Arrhythmogenic Right Ventricular Dysplasia/Cardiomyopathy 8; ARRHYTHMOGENIC RIGHT VENTRICULAR DYSPLASIA, FAMILIAL, 8; ARRHYTHMOGENIC RIGHT VENTRICULAR CARDIOMYOPATHY 8. Identifiers: MedGen C1843896, MONDO:0011831, OMIM 607450.

Submission:

Labcorp Genetics (formerly Invitae), Labcorp
Classification: Pathogenic for Arrhythmogenic cardiomyopathy with wooly hair and keratoderma; Arrhythmogenic right ventricular dysplasia 8. Last evaluated: 2025-07-06. Review status: criteria provided, single submitter. Criteria: Invitae Variant Classification Sherloc (09022015). Collection method: clinical testing. Allele origin: germline.
Comment: This sequence change creates a premature translational stop signal (p.Tyr1935*) in the DSP gene. While this is not anticipated to result in nonsense mediated decay, it is expected to disrupt the last 937 amino acid(s) of the DSP protein. This variant is not present in population databases (gnomAD no frequency). This variant has not been reported in the literature in individuals affected with DSP-related conditions. This variant disrupts a region of the DSP protein in which other variant(s) (p.Glu2728Glyfs*11) have been determined to be pathogenic (internal data). This suggests that this is a clinically significant region of the protein, and that variants that disrupt it are likely to be disease-causing. For these reasons, this variant has been classified as Pathogenic.

NM_004415.4(DSP):c.5805T>A (p.Tyr1935Ter)

Gene: DSP (desmoplakin; plus strand). Cytogenetic location: 6p24.3.
Variant type: single nucleotide variant.
Coding change: c.5805T>A on transcript NM_004415.4 (MANE Select); coding-DNA position 5805, T replaced by A.
Protein change: p.Tyr1935Ter; replaces tyrosine 1935 with a stop codon.
Molecular consequence: nonsense.
Genome position (GRCh38, 1-based): chr6:7,583,067, T>A. VCF-style: chr6-7583067-T-A. GRCh37 (hg19) VCF-style: chr6-7583300-T-A.
Other names: c.4008T>A, p.Tyr1336Ter (NM_001008844.3); c.4476T>A, p.Tyr1492Ter (NM_001319034.2); short protein forms Y1492*, Y1935*, Y1336*.
Identifiers: ClinVar variation 4785490 (VCV004785490.1).